The following is an entry in ClinVar:

ClinVar aggregate classification (germline): Pathogenic (1 of 4 stars; one submission).

Conditions:
Neurofibromatosis, type 1 (NF1). Also called: Neurofibromatosis, type I; Peripheral type neurofibromatosis; NEUROFIBROMATOSIS, TYPE I, SOMATIC; VON RECKLINGHAUSEN DISEASE. Identifiers: Orphanet 636, MedGen C0027831, MONDO:0018975, OMIM 162200. Disease mechanism: loss of function.

Submission:

Labcorp Genetics (formerly Invitae), Labcorp
Classification: Pathogenic for Neurofibromatosis, type 1. Last evaluated: 2022-06-03. Review status: criteria provided, single submitter. Criteria: Invitae Variant Classification Sherloc (09022015). Collection method: clinical testing. Allele origin: germline.
Comment: For these reasons, this variant has been classified as Pathogenic. This variant has not been reported in the literature in individuals affected with NF1-related conditions. This variant is not present in population databases (gnomAD no frequency). This sequence change creates a premature translational stop signal (p.Gly1526Leufs*26) in the NF1 gene. It is expected to result in an absent or disrupted protein product. Loss-of-function variants in NF1 are known to be pathogenic (PMID: 10712197, 23913538).

Literature cited by the submitters: PubMed 10712197; PubMed 23913538.

NM_001042492.3(NF1):c.4638_4641del (p.Gly1547fs)

Gene: NF1 (neurofibromin 1; plus strand). Cytogenetic location: 17q11.2.
Variant type: Deletion.
Coding change: c.4638_4641del on transcript NM_001042492.3 (MANE Select); coding-DNA positions 4638 to 4641, 4 bases deleted (GGGT; older notation c.4638_4641delGGGT).
Protein change: p.Gly1547fs; shifts the reading frame from glycine 1547.
Molecular consequence: frameshift variant.
Genome position (GRCh38, 1-based): chr17:31,261,771-31,261,774, GGGT deleted; deleting any 4 consecutive bases within chr17:31,261,770-31,261,774 gives the same sequence; the c. name uses the placement nearest the transcript's 3' end. VCF-style (leftmost placement, unchanged base first): chr17-31261769-CTGGG-C. GRCh37 (hg19) VCF-style: chr17-29588787-CTGGG-C.
Other names: c.4575_4578delGGGT, p.Gly1526Leufs (NM_000267.4); short protein forms G1526fs, G1547fs.
Identifiers: ClinVar variation 2002140 (VCV002002140.4), dbSNP rs2508429754, ClinGen allele CA2580093298.